The following is an entry in ClinVar:

NM_170606.3(KMT2C):c.3874C>G (p.Arg1292Gly)

Gene: KMT2C (lysine methyltransferase 2C; minus strand). Cytogenetic location: 7q36.1.
Variant type: single nucleotide variant.
Coding change: c.3874C>G on transcript NM_170606.3 (MANE Select); coding-DNA position 3874, C replaced by G.
Protein change: p.Arg1292Gly; replaces arginine 1292 with glycine.
Molecular consequence: missense variant.
Genome position (GRCh38, 1-based): chr7:152,205,193, G>C on the plus strand (C>G on the coding strand, the complement: KMT2C is on the minus strand). VCF-style: chr7-152205193-G-C. GRCh37 (hg19) VCF-style: chr7-151902278-G-C.
Other names: short protein forms R1292G.
Identifiers: ClinVar variation 932912 (VCV000932912.2), dbSNP rs1554526666, ClinGen allele CA370108288.

ClinVar aggregate classification (germline): Uncertain significance. Review status: criteria provided, multiple submitters, no conflicts (2 of 4 stars). 2 submissions from 2 submitters: Uncertain significance (2). Last evaluated 2026-03-02.

Conditions:
Kleefstra syndrome 2 (KLEFS2). Identifiers: MedGen C4540395, MONDO:0054701, OMIM 617768.

Allele frequency attached by ClinVar (database versions not stated): gnomAD 0.00001.
gnomAD v4.1: 1 of 1,610,472 alleles (0.000062%); highest among the groups gnomAD compares: African/African-American, 0.0013%; no homozygotes.

Submissions (2):

GeneDx
Classification: Uncertain significance. Last evaluated: 2026-03-02. Review status: criteria provided, single submitter. Criteria: GeneDx Variant Classification Process June 2021. Collection method: clinical testing. Allele origin: germline.
Comment: Not observed at significant frequency in large population cohorts (gnomAD); In silico analysis supports that this missense variant has a deleterious effect on protein structure/function; Has not been previously published as pathogenic or benign to our knowledge

Johns Hopkins Genomics, Johns Hopkins University
Classification: Uncertain significance for Kleefstra syndrome 2. Last evaluated: 2020-01-06. Review status: criteria provided, single submitter. Criteria: ACMG Guidelines, 2015. Collection method: clinical testing. Allele origin: germline.
Comment: This KMT2C variant is absent from a large population dataset, and has not been reported in the literature to our knowledge. A different, stopgain variant at the same position (p.Arg1292Ter) has been previously reported as a VUS. Three bioinformatic tools queried predict that p.Arg1292Gly would be possibly damaging, and the arginine residue at this position is evolutionarily conserved across the vertebrates assessed. Additionally, bioinformatic analysis predicts that this variant would not affect normal exon 25 splicing, although this has not been confirmed experimentally to our knowledge. This substitution does not occur in any known functional domain of the KMT2C protein. Due to insufficient evidence, we consider the clinical significance of c.3874C>G to be uncertain at this time.